The following is an entry in ClinVar:

ClinVar aggregate classification (germline): Likely pathogenic (1 of 4 stars; one submission).

Conditions:
Familial focal epilepsy with variable foci (FPEVF). Identifiers: Orphanet 98820, MedGen C1858477, MONDO:0020310.

Submission:

Labcorp Genetics (formerly Invitae), Labcorp
Classification: Likely pathogenic for Familial focal epilepsy with variable foci. Last evaluated: 2023-04-24. Review status: criteria provided, single submitter. Criteria: Invitae Variant Classification Sherloc (09022015). Collection method: clinical testing. Allele origin: unknown.
Comment: This variant results in the deletion of exon 24 and part of exon 23 (c.1981_2104+678del) of the DEPDC5 gene. It is expected to disrupt RNA splicing. Variants that disrupt the donor or acceptor splice site typically lead to a loss of protein function (PMID: 16199547), and loss-of-function variants in DEPDC5 are known to be pathogenic (PMID: 23542697, 23542701). This variant has not been reported in the literature in individuals affected with DEPDC5-related conditions. In summary, the currently available evidence indicates that the variant is pathogenic, but additional data are needed to prove that conclusively. Therefore, this variant has been classified as Likely Pathogenic. ClinVar contains an entry for this variant (Variation ID: 647448).

Literature cited by the submitters: PubMed 16199547; PubMed 23542697; PubMed 23542701.

NC_000022.10:g.(?_32217598)_(32219454_?)del

Gene: DEPDC5 (DEP domain containing 5, GATOR1 subcomplex subunit; plus strand). Cytogenetic location: 22q12.3.
Variant type: Deletion.
Identifiers: ClinVar variation 3247918 (VCV003247918.1).